The following is an entry in ClinVar:

NM_001943.5(DSG2):c.1879+5G>C

Gene: DSG2 (desmoglein 2; plus strand). Cytogenetic location: 18q12.1.
Variant type: single nucleotide variant.
Coding change: c.1879+5G>C on transcript NM_001943.5 (MANE Select); 5 bases into the intron after coding-DNA position 1879, G replaced by C.
Molecular consequence: intron variant.
Genome position (GRCh38, 1-based): chr18:31,538,983, G>C. VCF-style: chr18-31538983-G-C. GRCh37 (hg19) VCF-style: chr18-29118946-G-C.
Identifiers: ClinVar variation 3073532 (VCV003073532.1), dbSNP rs761248022, ClinGen allele CA2641406844.

ClinVar aggregate classification (germline): Uncertain significance (1 of 4 stars; one submission).

Conditions:
Arrhythmogenic right ventricular cardiomyopathy (ARVD). Also called: Arrhythmogenic right ventricular dysplasia; Cardiomyopathy, ARVC; Arrhythmogenic cardiomyopathy; Arrhythmogenic Right Ventricular Cardiomyopathy (ARVC). Identifiers: Orphanet 247, MedGen C0349788, MeSH D019571, MONDO:0016587. Disease mechanism: loss of function. Inheritance: Various modes of inheritance.

gnomAD v4.1: 1 of 1,612,450 alleles (0.000062%); highest among the groups gnomAD compares: Non-Finnish European, 0.000085%; no homozygotes.

Submission:

All of Us Research Program, National Institutes of Health
Classification: Uncertain significance for Arrhythmogenic right ventricular cardiomyopathy. Last evaluated: 2023-10-02. Review status: criteria provided, single submitter. Criteria: ACMG Guidelines, 2015. Collection method: clinical testing. Allele origin: germline. Inheritance: Autosomal dominant inheritance. Observed: 1 variant allele, 1 heterozygote.
Comment: This variant causes a G to C nucleotide substitution at the +5 position of intron 12 of the DSG2 gene. Splice site prediction tools predict that this variant may have a significant impact on RNA splicing. To our knowledge, RNA studies have not been reported for this variant. This variant has not been reported in individuals affected with cardiovascular disorders in the literature. This variant has not been identified in the general population by the Genome Aggregation Database (gnomAD). The available evidence is insufficient to determine the role of this variant in disease conclusively. Therefore, this variant is classified as a Variant of Uncertain Significance.

This study involves interpretation of variants in research participants for the purpose of population health screening. Participant phenotype was not available at the time of variant classification. Additional details can be found in publication PMID: 35346344, PMCID: PMC8962531